The following is an entry in ClinVar:

ClinVar aggregate classification (germline): Uncertain significance. Review status: criteria provided, multiple submitters, no conflicts (2 of 4 stars). 2 submissions from 2 submitters: Uncertain significance (2). Last evaluated 2024-10-21.

Submissions (2):

Labcorp Genetics (formerly Invitae), Labcorp
Classification: Uncertain significance. Last evaluated: 2024-10-21. Review status: criteria provided, single submitter. Criteria: Invitae Variant Classification Sherloc (09022015). Collection method: clinical testing. Allele origin: germline.
Comment: This sequence change replaces proline, which is neutral and non-polar, with glutamine, which is neutral and polar, at codon 810 of the ZSWIM6 protein (p.Pro810Gln). This variant is not present in population databases (gnomAD no frequency). This variant has not been reported in the literature in individuals affected with ZSWIM6-related conditions. ClinVar contains an entry for this variant (Variation ID: 1305418). Invitae Evidence Modeling of protein sequence and biophysical properties (such as structural, functional, and spatial information, amino acid conservation, physicochemical variation, residue mobility, and thermodynamic stability) indicates that this missense variant is not expected to disrupt ZSWIM6 protein function with a negative predictive value of 80%. In summary, the available evidence is currently insufficient to determine the role of this variant in disease. Therefore, it has been classified as a Variant of Uncertain Significance.

GeneDx
Classification: Uncertain significance. Last evaluated: 2019-05-02. Review status: criteria provided, single submitter. Criteria: GeneDx Variant Classification Process June 2021. Collection method: clinical testing. Allele origin: germline. Affected: yes.
Comment: Not observed in large population cohorts (Lek et al., 2016); In silico analysis, which includes protein predictors and evolutionary conservation, supports a deleterious effect; Has not been previously published as pathogenic or benign to our knowledge

NM_020928.2(ZSWIM6):c.2429C>A (p.Pro810Gln)

Gene: ZSWIM6 (zinc finger SWIM-type containing 6; plus strand). Cytogenetic location: 5q12.1.
Variant type: single nucleotide variant.
Coding change: c.2429C>A on transcript NM_020928.2 (MANE Select); coding-DNA position 2429, C replaced by A.
Protein change: p.Pro810Gln; replaces proline 810 with glutamine.
Molecular consequence: missense variant.
Genome position (GRCh38, 1-based): chr5:61,538,861, C>A. VCF-style: chr5-61538861-C-A. GRCh37 (hg19) VCF-style: chr5-60834688-C-A.
Other names: short protein forms P810Q.
Identifiers: ClinVar variation 1305418 (VCV001305418.4), dbSNP rs2112288761, ClinGen allele CA359945323.